The following is an entry in ClinVar:

ClinVar aggregate classification (germline): Likely pathogenic (1 of 4 stars; one submission).

Submission:

GeneDx
Classification: Likely pathogenic. Last evaluated: 2022-11-02. Review status: criteria provided, single submitter. Criteria: GeneDx Variant Classification Process June 2021. Collection method: clinical testing. Allele origin: germline. Affected: yes.
Comment: Not observed in large population cohorts (gnomAD); In silico analysis supports that this missense variant has a deleterious effect on protein structure/function; In silico analysis suggests this variant may impact gene splicing. In the absence of RNA/functional studies, the actual effect of this sequence change is unknown.; Has not been previously published as pathogenic or benign to our knowledge

NM_018896.5(CACNA1G):c.590T>G (p.Met197Arg)

Gene: CACNA1G (calcium voltage-gated channel subunit alpha1 G; plus strand). Cytogenetic location: 17q21.33.
Variant type: single nucleotide variant.
Coding change: c.590T>G on transcript NM_018896.5 (MANE Select); coding-DNA position 590, T replaced by G.
Protein change: p.Met197Arg; replaces methionine 197 with arginine.
Molecular consequence: missense variant. On other transcripts: non-coding transcript variant (5).
Genome position (GRCh38, 1-based): chr17:50,571,881, T>G. VCF-style: chr17-50571881-T-G. GRCh37 (hg19) VCF-style: chr17-48649242-T-G.
Other names: c.590T>G, p.Met197Arg (NM_001256324.2, NM_001256325.2, NM_001256326.2 and 24 more transcripts); short protein forms M197R.
Identifiers: ClinVar variation 1722930 (VCV001722930.2), dbSNP rs2544775519, ClinGen allele CA400230628.